The following is an entry in ClinVar:

NM_002485.5(NBN):c.1374C>G (p.Tyr458Ter)

Gene: NBN (nibrin; minus strand). Cytogenetic location: 8q21.3.
Variant type: single nucleotide variant.
Coding change: c.1374C>G on transcript NM_002485.5 (MANE Select); coding-DNA position 1374, C replaced by G.
Protein change: p.Tyr458Ter; replaces tyrosine 458 with a stop codon.
Molecular consequence: nonsense.
Genome position (GRCh38, 1-based): chr8:89,955,306, G>C on the plus strand (C>G on the coding strand, the complement: NBN is on the minus strand). VCF-style: chr8-89955306-G-C. GRCh37 (hg19) VCF-style: chr8-90967534-G-C.
Other names: c.1128C>G, p.Tyr376Ter (NM_001024688.3); short protein forms Y458*, Y376*.
Identifiers: ClinVar variation 2763381 (VCV002763381.3), dbSNP rs2129717018, ClinGen allele CA371655999.

ClinVar aggregate classification (germline): Pathogenic (1 of 4 stars; one submission).

Conditions:
Microcephaly, normal intelligence and immunodeficiency (NBS). Also called: IMMUNODEFICIENCY, MICROCEPHALY, AND CHROMOSOMAL INSTABILITY; SEEMANOVA SYNDROME II; Nijmegen breakage syndrome; Microcephaly with normal intelligence immunodeficiency and lymphoreticular malignancies; Nonsyndromal microcephaly autosomal recessive with normal intelligence; Seemanova syndrome 2. Identifiers: Orphanet 647, MedGen C0398791, MONDO:0009623, OMIM 251260.

Submission:

Labcorp Genetics (formerly Invitae), Labcorp
Classification: Pathogenic for Microcephaly, normal intelligence and immunodeficiency. Last evaluated: 2023-09-26. Review status: criteria provided, single submitter. Criteria: Invitae Variant Classification Sherloc (09022015). Collection method: clinical testing. Allele origin: germline.
Comment: For these reasons, this variant has been classified as Pathogenic. This variant has not been reported in the literature in individuals affected with NBN-related conditions. This variant is not present in population databases (gnomAD no frequency). This sequence change creates a premature translational stop signal (p.Tyr458*) in the NBN gene. It is expected to result in an absent or disrupted protein product. Loss-of-function variants in NBN are known to be pathogenic (PMID: 9590180, 16415040).

Literature cited by the submitters: PubMed 9590180; PubMed 16415040.